The following is an entry in ClinVar:

NM_004055.5(CAPN5):c.1802del (p.Pro601fs)

Gene: CAPN5 (calpain 5; plus strand). Cytogenetic location: 11q13.5.
Variant type: Deletion.
Coding change: c.1802del on transcript NM_004055.5 (MANE Select); coding-DNA position 1802, one base deleted (C; older notation c.1802delC).
Protein change: p.Pro601fs; shifts the reading frame from proline 601.
Molecular consequence: frameshift variant.
Genome position (GRCh38, 1-based): chr11:77,123,749, C deleted; the last of 3 consecutive C bases (chr11:77,123,747-77,123,749); deleting any one gives the same sequence. VCF-style (leftmost placement, unchanged base first): chr11-77123746-AC-A. GRCh37 (hg19) VCF-style: chr11-76834792-AC-A.
Other names: short protein forms P601fs.
Identifiers: ClinVar variation 2101737 (VCV002101737.4), dbSNP rs2496318458, ClinGen allele CA2580084895.

ClinVar aggregate classification (germline): Uncertain significance (1 of 4 stars; one submission).

Submission:

Labcorp Genetics (formerly Invitae), Labcorp
Classification: Uncertain significance. Last evaluated: 2022-02-22. Review status: criteria provided, single submitter. Criteria: Invitae Variant Classification Sherloc (09022015). Collection method: clinical testing. Allele origin: germline.
Comment: This sequence change results in a frameshift in the CAPN5 gene (p.Pro601Argfs*49). While this is not anticipated to result in nonsense mediated decay, it is expected to disrupt the last 40 amino acid(s) of the CAPN5 protein and extend the protein by 8 additional amino acid residues. This variant is not present in population databases (gnomAD no frequency). This variant has not been reported in the literature in individuals affected with CAPN5-related conditions. Experimental studies and prediction algorithms are not available or were not evaluated, and the functional significance of this variant is currently unknown. In summary, the available evidence is currently insufficient to determine the role of this variant in disease. Therefore, it has been classified as a Variant of Uncertain Significance.